The following is an entry in ClinVar:

NM_001042545.2(LTBP4):c.858G>A (p.Gly286=)

Genes: LTBP4 (latent transforming growth factor beta binding protein 4; plus strand), LOC121627876 (Sharpr-MPRA regulatory region 12022; plus strand). Cytogenetic location: 19q13.2.
Variant type: single nucleotide variant.
Coding change: c.858G>A on transcript NM_001042545.2 (MANE Select); coding-DNA position 858, G replaced by A.
Protein change: p.Gly286=; no amino-acid change (glycine 286 retained).
Molecular consequence: synonymous variant.
Genome position (GRCh38, 1-based): chr19:40,606,297, G>A. VCF-style: chr19-40606297-G-A. GRCh37 (hg19) VCF-style: chr19-41112203-G-A.
Other names: c.1059G>A, p.Gly353= (NM_001042544.1); c.948G>A, p.Gly316= (NM_003573.2).
Identifiers: ClinVar variation 329305 (VCV000329305.15), dbSNP rs146234365, ClinGen allele CA9448114.
Genomic context (GRCh38, chr19:40,606,297, plus strand): 5'-CTCCGAAAGAGTGAGCGCCCCAGATGGACCTTGTCCAACCGGCTTTGAAAGAGTTAATGG[G>A]TCCTGCGAAGGTGCAACGGGGCAGGGGTGGGAGGGGCTTGGTTCTGGGGGCGGGATTTGC-3'
Protein context (NP_001036010.1, residues 276-296): PCPTGFERVN[Gly286=]SCEDVDECAT

ClinVar aggregate classification (germline): Benign/Likely benign. Review status: criteria provided, multiple submitters, no conflicts (2 of 4 stars). 4 submissions from 4 submitters: Benign (3); Likely benign (1). Last evaluated 2026-02-04.

Conditions:
Cutis laxa with severe pulmonary, gastrointestinal and urinary anomalies. Also called: URBAN-RIFKIN-DAVIS SYNDROME; Cutis laxa, autosomal recessive, type IC; LTBP4-Related Cutis Laxa. Identifiers: Orphanet 221145, MedGen C2750804, MONDO:0013170, OMIM 613177. Disease mechanism: loss of function.

Allele frequency attached by ClinVar (database versions not stated): ESP Exome Variant Server 0.00017; gnomAD exomes 0.00085 and 0.00330; gnomAD 0.00128 and 0.00172; TOPMed 0.00222; ExAC 0.00542; 1000 Genomes Project 30x 0.00640; 1000 Genomes Project 0.00739.

Submissions (4):

Labcorp Genetics (formerly Invitae), Labcorp
Classification: Benign. Last evaluated: 2026-02-04. Review status: criteria provided, single submitter. Criteria: Invitae Variant Classification Sherloc (09022015). Collection method: clinical testing. Allele origin: germline.

Fulgent Genetics
Classification: Likely benign for Cutis laxa with severe pulmonary, gastrointestinal and urinary anomalies. Last evaluated: 2021-12-13. Review status: criteria provided, single submitter. Criteria: ACMG Guidelines, 2015. Collection method: clinical testing. Allele origin: unknown.

Illumina Laboratory Services, Illumina
Classification: Benign for Cutis laxa with severe pulmonary, gastrointestinal and urinary anomalies. Last evaluated: 2018-01-12. Review status: criteria provided, single submitter. Criteria: ICSL Variant Classification Criteria 13 December 2019. Collection method: clinical testing. Allele origin: germline.
Comment: This variant was observed in the ICSL laboratory as part of a predisposition screen in an ostensibly healthy population. It had not been previously curated by ICSL or reported in the Human Gene Mutation Database (HGMD: prior to June 1st, 2018), and was therefore a candidate for classification through an automated scoring system. Utilizing variant allele frequency, disease prevalence and penetrance estimates, and inheritance mode, an automated score was calculated to assess if this variant is too frequent to cause the disease. Based on the score and internal cut-off values, a variant classified as benign is not then subjected to further curation. The score for this variant resulted in a classification of benign for this disease.

GeneDx
Classification: Benign. Last evaluated: 2017-02-27. Review status: criteria provided, single submitter. Criteria: GeneDx Variant Classification (06012015). Collection method: clinical testing. Allele origin: germline. Affected: yes.
Comment: This variant is considered likely benign or benign based on one or more of the following criteria: it is a conservative change, it occurs at a poorly conserved position in the protein, it is predicted to be benign by multiple in silico algorithms, and/or has population frequency not consistent with disease.